The following is an entry in ClinVar:

NM_001142864.4(PIEZO1):c.6803C>T (p.Ala2268Val)

Gene: PIEZO1 (piezo type mechanosensitive ion channel component 1 (Er blood group); minus strand). Cytogenetic location: 16q24.3.
Variant type: single nucleotide variant.
Coding change: c.6803C>T on transcript NM_001142864.4 (MANE Select); coding-DNA position 6803, C replaced by T.
Protein change: p.Ala2268Val; replaces alanine 2268 with valine.
Molecular consequence: missense variant.
Genome position (GRCh38, 1-based): chr16:88,716,682, G>A on the plus strand (C>T on the coding strand, the complement: PIEZO1 is on the minus strand). VCF-style: chr16-88716682-G-A. GRCh37 (hg19) VCF-style: chr16-88783090-G-A.
Other names: c.5345C>T, p.Ala1782Val (NM_014745.1); short protein forms A1782V, A2268V.
Identifiers: ClinVar variation 2921091 (VCV002921091.2), dbSNP rs777875339, ClinGen allele CA8231481.

ClinVar aggregate classification (germline): Conflicting classifications of pathogenicity. Review status: criteria provided, conflicting classifications (1 of 4 stars). 2 submissions from 2 submitters: Uncertain significance (1); Benign (1). Last evaluated 2025-02-10.

Allele frequency attached by ClinVar (database versions not stated): gnomAD exomes 0.00004; gnomAD 0.00005; TOPMed 0.00005; ExAC 0.00010.
gnomAD v4.1: 67 of 1,548,848 alleles (0.0043%); highest among the groups gnomAD compares: Middle Eastern, 0.017%; no homozygotes.

Submissions (2):

Labcorp Genetics (formerly Invitae), Labcorp
Classification: Benign. Last evaluated: 2025-02-10. Review status: criteria provided, single submitter. Criteria: Invitae Variant Classification Sherloc (09022015). Collection method: clinical testing. Allele origin: germline.

ARUP Laboratories, Molecular Genetics and Genomics, ARUP Laboratories
Classification: Uncertain significance. Last evaluated: 2023-10-04. Review status: criteria provided, single submitter. Criteria: ARUP Molecular Germline Variant Investigation Process 2024. Collection method: clinical testing. Allele origin: germline.
Comment: The PIEZO1 c.6803C>T; p.Ala2268Val variant (rs777875339), to our knowledge, is not reported in the medical literature or gene specific databases. This variant is found in the general population with an overall allele frequency of 0.0049% (9/184136 alleles) in the Genome Aggregation Database. Computational analyses are uncertain whether this variant is neutral or deleterious (REVEL: 0.260). Due to limited information, the clinical significance of this variant is uncertain at this time.